The following is an entry in ClinVar:

ClinVar aggregate classification (germline): Benign (0 of 4 stars; one submission).

Conditions:
MYOM2-related disorder. Also called: MYOM2-related condition.

Allele frequency attached by ClinVar (database versions not stated): 1000 Genomes Project 30x 0.13289; TOPMed 0.13656; 1000 Genomes Project 0.13718; ESP Exome Variant Server 0.14217.
gnomAD v4.1: 249,569 of 1,613,854 alleles (15%); highest among the groups gnomAD compares: East Asian, 19%; 19,945 homozygotes.

Submission:

PreventionGenetics, part of Exact Sciences
Classification: Benign for MYOM2-related condition. Last evaluated: 2019-10-22. Review status: no assertion criteria provided. Collection method: clinical testing. Allele origin: germline.
Comment: This variant is classified as benign based on ACMG/AMP sequence variant interpretation guidelines (Richards et al. 2015 PMID: 25741868, with internal and published modifications).

NM_003970.4(MYOM2):c.1953C>T (p.Ala651=)

Gene: MYOM2 (myomesin 2; plus strand). Cytogenetic location: 8p23.3.
Variant type: single nucleotide variant.
Coding change: c.1953C>T on transcript NM_003970.4 (MANE Select); coding-DNA position 1953, C replaced by T.
Protein change: p.Ala651=; no amino-acid change (alanine 651 retained).
Molecular consequence: synonymous variant.
Genome position (GRCh38, 1-based): chr8:2,092,470, C>T. VCF-style: chr8-2092470-C-T. GRCh37 (hg19) VCF-style: chr8-2040298-C-T.
Identifiers: ClinVar variation 3060404 (VCV003060404.2), dbSNP rs2235122, ClinGen allele CA170456024.
Genomic context (GRCh38, chr8:2,092,470, plus strand): 5'-GTGGGACCGACCTAAGCATGAGGAGGACCTGCTGGGCTACTACGTGGACTGCTGTGTGGC[C>T]GGAACCAACCTCTGGGAGCCCTGCAACCACAAGCCCATCGGATACAACAGGTGCGGCCTC-3'
Protein context (NP_003961.3, residues 641-661): LLGYYVDCCV[Ala651=]GTNLWEPCNH